The following is an entry in ClinVar:

ClinVar aggregate classification (germline): Uncertain significance (1 of 4 stars; one submission).

Conditions:
Neurodevelopmental disorder with or without hyperkinetic movements and seizures, autosomal dominant. Also called: Intellectual disability, autosomal dominant 8. Identifiers: MedGen C3280282, MONDO:0013655, OMIM 614254.

Allele frequency attached by ClinVar (database versions not stated): TOPMed below 0.00001.

Submission:

Labcorp Genetics (formerly Invitae), Labcorp
Classification: Uncertain significance for Neurodevelopmental disorder with or without hyperkinetic movements and seizures, autosomal dominant. Last evaluated: 2025-04-17. Review status: criteria provided, single submitter. Criteria: Invitae Variant Classification Sherloc (09022015). Collection method: clinical testing. Allele origin: germline.
Comment: This sequence change replaces glutamic acid, which is acidic and polar, with glycine, which is neutral and non-polar, at codon 422 of the GRIN1 protein (p.Glu422Gly). This variant is not present in population databases (gnomAD no frequency). This variant has not been reported in the literature in individuals affected with GRIN1-related conditions. ClinVar contains an entry for this variant (Variation ID: 2875549). Invitae Evidence Modeling of protein sequence and biophysical properties (such as structural, functional, and spatial information, amino acid conservation, physicochemical variation, residue mobility, and thermodynamic stability) has been performed for this missense variant. However, the output from this modeling did not meet the statistical confidence thresholds required to predict the impact of this variant on GRIN1 protein function. In summary, the available evidence is currently insufficient to determine the role of this variant in disease. Therefore, it has been classified as a Variant of Uncertain Significance.

NM_007327.4(GRIN1):c.1265A>G (p.Glu422Gly)

Gene: GRIN1 (glutamate ionotropic receptor NMDA type subunit 1; plus strand). Cytogenetic location: 9q34.3.
Variant type: single nucleotide variant.
Coding change: c.1265A>G on transcript NM_007327.4 (MANE Select); coding-DNA position 1265, A replaced by G.
Protein change: p.Glu422Gly; replaces glutamic acid 422 with glycine.
Molecular consequence: missense variant.
Genome position (GRCh38, 1-based): chr9:137,161,123, A>G. VCF-style: chr9-137161123-A-G. GRCh37 (hg19) VCF-style: chr9-140055575-A-G.
Other names: c.1265A>G, p.Glu422Gly (NM_000832.7, NM_021569.4); c.1328A>G, p.Glu443Gly (NM_001185090.2, NM_001185091.2); short protein forms E422G, E443G.
Identifiers: ClinVar variation 2875549 (VCV002875549.3), dbSNP rs1286912012, ClinGen allele CA375715977.